The following is an entry in ClinVar:

ClinVar aggregate classification (germline): Pathogenic (1 of 4 stars; one submission).

Conditions:
Glutathione synthetase deficiency with 5-oxoprolinuria. Also called: 5-OXOPROLINURIA DUE TO GLUTATHIONE SYNTHETASE DEFICIENCY; Reduced glutathione synthetase level; PYROGLUTAMIC ACIDURIA; 5-Oxoprolinuria; Gluthathione synthetase deficiency. Identifiers: Orphanet 289846, MedGen C0398746, MONDO:0009947, OMIM 266130, HP:0003343.

Submission:

Labcorp Genetics (formerly Invitae), Labcorp
Classification: Pathogenic for Glutathione synthetase deficiency with 5-oxoprolinuria. Last evaluated: 2023-01-20. Review status: criteria provided, single submitter. Criteria: Invitae Variant Classification Sherloc (09022015). Collection method: clinical testing. Allele origin: germline.
Comment: For these reasons, this variant has been classified as Pathogenic. This variant has not been reported in the literature in individuals affected with GSS-related conditions. This variant is not present in population databases (gnomAD no frequency). This sequence change creates a premature translational stop signal (p.Ser36Hisfs*10) in the GSS gene. It is expected to result in an absent or disrupted protein product. Loss-of-function variants in GSS are known to be pathogenic (PMID: 12638941, 15717202).

Literature cited by the submitters: PubMed 12638941; PubMed 15717202.

NM_000178.4(GSS):c.105del (p.Ser36fs)

Gene: GSS (glutathione synthetase; minus strand). Cytogenetic location: 20q11.22.
Variant type: Deletion.
Coding change: c.105del on transcript NM_000178.4 (MANE Select); coding-DNA position 105, one base deleted (C; older notation c.105delC).
Protein change: p.Ser36fs; shifts the reading frame from serine 36.
Molecular consequence: frameshift variant.
Genome position (GRCh38, 1-based): chr20:34,951,748, G deleted on the plus strand (C on the coding strand, the reverse complement: GSS is on the minus strand); the first of 2 consecutive G bases (chr20:34,951,748-34,951,749); deleting either gives the same sequence. VCF-style (leftmost placement, unchanged base first): chr20-34951747-AG-A. GRCh37 (hg19) VCF-style: chr20-33539550-AG-A.
Other names: c.105del, p.Ser36fs (NM_001322494.1, NM_001322495.1); short protein forms S36fs.
Identifiers: ClinVar variation 2976093 (VCV002976093.3), dbSNP rs2519043873, ClinGen allele CA2740097063.
Genomic context (GRCh38, chr20:34,951,747, plus strand): 5'-CCATGGTGAATGCTGTGGGGAGGAGCTAGGGGCTTACCTCCGAGGAAGTGGGCTCCTGTG[AG>A]GTCCTCAGCAATACTCCCTCAGCCAGGGCCCGGTCCACGGCCTGCCGTGCCAGCTCCTCT-3'